The following is an entry in ClinVar:

NM_006015.6(ARID1A):c.3497C>G (p.Ala1166Gly)

Genes: ARID1A (AT-rich interaction domain 1A; plus strand), LOC126805670 (CDK7 strongly-dependent group 2 enhancer GRCh37_chr1:27098665-27099864; plus strand). Cytogenetic location: 1p36.11.
Variant type: single nucleotide variant.
Coding change: c.3497C>G on transcript NM_006015.6 (MANE Select); coding-DNA position 3497, C replaced by G.
Protein change: p.Ala1166Gly; replaces alanine 1166 with glycine.
Molecular consequence: missense variant.
Genome position (GRCh38, 1-based): chr1:26,772,590, C>G. VCF-style: chr1-26772590-C-G. GRCh37 (hg19) VCF-style: chr1-27099081-C-G.
Other names: c.3497C>G, p.Ala1166Gly (NM_139135.4); short protein forms A1166G.
Identifiers: ClinVar variation 2428900 (VCV002428900.4), dbSNP rs1557614465, ClinGen allele CA339166379.
Genomic context (GRCh38, chr1:26,772,590, plus strand): 5'-CTCCCCAGTCAACCAGCAGTTCCATGGCAGAAGGAGGAGACTTAAAGCCACCAACTCCAG[C>G]ATCCACACCACACAGTCAGATCCCCCCATTGCCAGGCATGAGGTAAGGCCAAGAGCAGGG-3'
Protein context (NP_006006.3, residues 1156-1176): EGGDLKPPTP[Ala1166Gly]STPHSQIPPL

ClinVar aggregate classification (germline): Uncertain significance (1 of 4 stars; one submission).

Submission:

GeneDx
Classification: Uncertain significance. Last evaluated: 2022-08-05. Review status: criteria provided, single submitter. Criteria: GeneDx Variant Classification Process June 2021. Collection method: clinical testing. Allele origin: germline. Affected: yes.
Comment: Not observed at significant frequency in large population cohorts (gnomAD); In silico analysis supports that this missense variant has a deleterious effect on protein structure/function; Has not been previously published as pathogenic or benign to our knowledge